The following is an entry in ClinVar:

NM_024422.6(DSC2):c.106A>G (p.Thr36Ala)

Gene: DSC2 (desmocollin 2; minus strand). Cytogenetic location: 18q12.1.
Variant type: single nucleotide variant.
Coding change: c.106A>G on transcript NM_024422.6 (MANE Select); coding-DNA position 106, A replaced by G.
Protein change: p.Thr36Ala; replaces threonine 36 with alanine.
Molecular consequence: missense variant.
Genome position (GRCh38, 1-based): chr18:31,093,607, T>C on the plus strand (A>G on the coding strand, the complement: DSC2 is on the minus strand). VCF-style: chr18-31093607-T-C. GRCh37 (hg19) VCF-style: chr18-28673570-T-C.
Other names: c.106A>G, p.Thr36Ala (NM_004949.5); short protein forms T36A.
Identifiers: ClinVar variation 1354972 (VCV001354972.6), dbSNP rs2144850401, ClinGen allele CA402115108.

ClinVar aggregate classification (germline): Uncertain significance (1 of 4 stars; one submission).

Conditions:
Arrhythmogenic right ventricular dysplasia 11. Also called: Arrhythmogenic right ventricular dysplasia 11 with mild palmoplantar keratoderma and woolly hair; Arrhythmogenic Right Ventricular Dysplasia/Cardiomyopathy11; ARRHYTHMOGENIC RIGHT VENTRICULAR DYSPLASIA, FAMILIAL, 11. Identifiers: MedGen C1864850, MONDO:0012506, OMIM 610476.

Submission:

Labcorp Genetics (formerly Invitae), Labcorp
Classification: Uncertain significance for Arrhythmogenic right ventricular dysplasia 11. Last evaluated: 2021-12-03. Review status: criteria provided, single submitter. Criteria: Invitae Variant Classification Sherloc (09022015). Collection method: clinical testing. Allele origin: germline.
Comment: In summary, the available evidence is currently insufficient to determine the role of this variant in disease. Therefore, it has been classified as a Variant of Uncertain Significance. Algorithms developed to predict the effect of missense changes on protein structure and function (SIFT, PolyPhen-2, Align-GVGD) all suggest that this variant is likely to be tolerated. This variant has not been reported in the literature in individuals affected with DSC2-related conditions. This variant is not present in population databases (gnomAD no frequency). This sequence change replaces threonine, which is neutral and polar, with alanine, which is neutral and non-polar, at codon 36 of the DSC2 protein (p.Thr36Ala).